The following is an entry in ClinVar:

ClinVar aggregate classification (germline): Likely pathogenic (1 of 4 stars; one submission).

Conditions:
X-linked Alport syndrome (ATS1). Also called: NEPHROPATHY AND DEAFNESS, X-LINKED; COL4A5-Related Nephropathy. Identifiers: Orphanet 63, Orphanet 88917, MedGen C4746986, MONDO:0010520, OMIM 301050.

Submission:

Myriad Genetics, Inc.
Classification: Likely pathogenic for X-linked Alport syndrome. Last evaluated: 2019-06-07. Review status: criteria provided, single submitter. Criteria: Myriad Women's Health Autosomal Recessive and X-Linked Classification Criteria (2019). Collection method: clinical testing. Allele origin: unknown.
Comment: NM_000495.4(COL4A5):c.2422G>T(G808*) is expected to be pathogenic in the context of X-linked Alport syndrome. This variant is predicted to lead to an abnormal or absent protein product due to the creation of a premature termination codon in COL4A5, a gene where loss-of-function variants are known to be pathogenic. Please note: this variant was assessed in the context of healthy population screening.

NM_033380.3(COL4A5):c.2422G>T (p.Gly808Ter)

Gene: COL4A5 (collagen type IV alpha 5 chain; plus strand). Cytogenetic location: Xq22.3.
Variant type: single nucleotide variant.
Coding change: c.2422G>T on transcript NM_033380.3 (MANE Select); coding-DNA position 2422, G replaced by T.
Protein change: p.Gly808Ter; replaces glycine 808 with a stop codon.
Molecular consequence: nonsense.
Genome position (GRCh38, 1-based): chrX:108,614,937, G>T. VCF-style: chrX-108614937-G-T. GRCh37 (hg19) VCF-style: chrX-107858167-G-T.
Other names: c.2422G>T, p.Gly808Ter (NM_000495.5); short protein forms G808*.
Identifiers: ClinVar variation 983895 (VCV000983895.3), dbSNP rs2066899099, ClinGen allele CA413849819.